The following is an entry in ClinVar:

NM_033305.3(VPS13A):c.2752G>T (p.Glu918Ter)

Gene: VPS13A (vacuolar protein sorting 13 homolog A; plus strand). Cytogenetic location: 9q21.2.
Variant type: single nucleotide variant.
Coding change: c.2752G>T on transcript NM_033305.3 (MANE Select); coding-DNA position 2752, G replaced by T.
Protein change: p.Glu918Ter; replaces glutamic acid 918 with a stop codon.
Molecular consequence: nonsense.
Genome position (GRCh38, 1-based): chr9:77,276,149, G>T. VCF-style: chr9-77276149-G-T. GRCh37 (hg19) VCF-style: chr9-79891065-G-T.
Other names: c.2752G>T, p.Glu918Ter (NM_001018037.2, NM_001018038.3, NM_015186.4); short protein forms E918*.
Identifiers: ClinVar variation 5012962 (VCV005012962.1).
Genomic context (GRCh38, chr9:77,276,149, plus strand): 5'-GTTGGAGATTGTGAACTATCTGTGGTAGAAATTCTTGTTTTAGGATTGGGTGCAGAAATT[G>T]AGATTAGAACATACGATTTGAAAGCAAATGCCTTTTTGAAAGAGTTCTGCTTAAAATGCC-3'

ClinVar aggregate classification (germline): Pathogenic (1 of 4 stars; one submission).

Conditions:
VPS13A-related neurodegenerative disease. Also called: ACANTHOCYTOSIS WITH NEUROLOGIC DISORDER; LEVINE-CRITCHLEY SYNDROME; Choreoacanthocytosis; Chorea-acanthocytosis; Choreaacanthocytosis; VPS13A Disease. Identifiers: Orphanet 2388, MedGen C0393576, MONDO:0008695, OMIM 200150.

Submission:

Myriad Genetics, Inc.
Classification: Pathogenic for VPS13A-related neurodegenerative disease. Last evaluated: 2024-04-26. Review status: criteria provided, single submitter. Criteria: Myriad Autosomal Dominant, Autosomal Recessive and X-Linked Classification Criteria (2023). Collection method: clinical testing. Allele origin: unknown.
Comment: NM_033305.2(VPS13A):c.2752G>T(E918*) is expected to be pathogenic in the context of VPS13A disease. This variant is predicted to lead to an abnormal or absent protein product due to the creation of a premature termination codon in VPS13A, a gene where loss-of-function variants are known to be pathogenic. Please note: this variant was assessed in the context of healthy population screening.